The following is an entry in ClinVar:

ClinVar aggregate classification (germline): Pathogenic (1 of 4 stars; one submission).

Conditions:
Multiple endocrine neoplasia, type 1 (MEN1). Also called: MEN I; WERMER SYNDROME; Endocrine adenomatosis multiple; MEN 1; MEA I. Identifiers: Orphanet 652, MedGen C0025267, MeSH D018761, MONDO:0007540, OMIM 131100.

Submission:

Labcorp Genetics (formerly Invitae), Labcorp
Classification: Pathogenic for Multiple endocrine neoplasia, type 1. Last evaluated: 2023-06-23. Review status: criteria provided, single submitter. Criteria: Invitae Variant Classification Sherloc (09022015). Collection method: clinical testing. Allele origin: germline.
Comment: For these reasons, this variant has been classified as Pathogenic. This variant has not been reported in the literature in individuals affected with MEN1-related conditions. This variant is not present in population databases (gnomAD no frequency). This sequence change creates a premature translational stop signal (p.Lys422*) in the MEN1 gene. It is expected to result in an absent or disrupted protein product. Loss-of-function variants in MEN1 are known to be pathogenic (PMID: 12112656, 17853334).

Literature cited by the submitters: PubMed 12112656; PubMed 17853334.

NM_001370259.2(MEN1):c.1264A>T (p.Lys422Ter)

Gene: MEN1 (menin 1; minus strand). Cytogenetic location: 11q13.1.
Variant type: single nucleotide variant.
Coding change: c.1264A>T on transcript NM_001370259.2 (MANE Select); coding-DNA position 1264, A replaced by T.
Protein change: p.Lys422Ter; replaces lysine 422 with a stop codon.
Molecular consequence: nonsense. On other transcripts: non-coding transcript variant (4), intron variant (1).
Genome position (GRCh38, 1-based): chr11:64,805,120, T>A on the plus strand (A>T on the coding strand, the complement: MEN1 is on the minus strand). VCF-style: chr11-64805120-T-A. GRCh37 (hg19) VCF-style: chr11-64572592-T-A.
Other names: c.1390A>T, p.Lys464Ter (NM_001407142.1, NM_001407143.1, NM_001407144.1 and 1 more transcripts); c.1279A>T, p.Lys427Ter (NM_001407145.1, NM_000244.4, NM_130800.3 and 4 more transcripts); c.1264A>T, p.Lys422Ter (NM_001407146.1, NM_001407147.1, NM_001370260.2 and 2 more transcripts); c.1159A>T, p.Lys387Ter (NM_001407148.1, NM_001407149.1, NM_001370262.2 and 1 more transcripts); c.1405A>T, p.Lys469Ter (NM_001407150.1); c.1285A>T, p.Lys429Ter (NM_001407151.1); c.1186-304A>T (NM_001407152.1); short protein forms K427*, K464*, K422*, K387*, K429*, K469*.
Identifiers: ClinVar variation 2726013 (VCV002726013.3), dbSNP rs2497144069, ClinGen allele CA381180447.